The following is an entry in ClinVar:

NC_000016.10:g.(?_89764807)_(89779967_?)del

Gene: FANCA (FA complementation group A; minus strand). Cytogenetic location: 16q24.3.
Variant type: Deletion.
Identifiers: ClinVar variation 831000 (VCV000831000.4).

ClinVar aggregate classification (germline): Likely pathogenic (1 of 4 stars; one submission).

Conditions:
Fanconi anemia (FA). Also called: Fanconi's anemia. Identifiers: Orphanet 84, MedGen C0015625, MeSH D005199, MONDO:0019391.

Submission:

Labcorp Genetics (formerly Invitae), Labcorp
Classification: Likely pathogenic for Fanconi anemia. Last evaluated: 2021-10-31. Review status: criteria provided, single submitter. Criteria: Invitae Variant Classification Sherloc (09022015). Collection method: clinical testing. Allele origin: germline.
Comment: This variant is a gross deletion of the genomic region encompassing exon(s) 18-28 of the FANCA gene. This variant would be expected to be in-frame, preserving the integrity of the reading frame. A similar copy number variant has been observed in individual(s) with Fanconi anemia (PMID: 28717661, 29098742). This variant disrupts the p.Gln869 amino acid residue in FANCA. Other variant(s) that disrupt this residue have been determined to be pathogenic (PMID: 15643609, 17924555). This suggests that this residue is clinically significant, and that variants that disrupt this residue are likely to be disease-causing. In summary, the currently available evidence indicates that the variant is pathogenic, but additional data are needed to prove that conclusively. Therefore, this variant has been classified as Likely Pathogenic.

Literature cited by the submitters: PubMed 28717661; PubMed 29098742; PubMed 15643609; PubMed 17924555.